The following is an entry in ClinVar:

ClinVar aggregate classification (germline): Likely pathogenic (1 of 4 stars; one submission).

Submission:

GeneDx
Classification: Likely pathogenic. Last evaluated: 2018-05-03. Review status: criteria provided, single submitter. Criteria: GeneDx Variant Classification (06012015). Collection method: clinical testing. Allele origin: germline. Affected: yes.
Comment: The c.211_223del13 variant has not been published as a pathogenic variant, nor has it been reported as a benign variant to our knowledge. The variant is not observed in large population cohorts (Lek et al., 2016). It causes a frameshift starting with codon Valine 71, changes this amino acid to a Threonine residue and creates a premature Stop codon at position 49 of the new reading frame, denoted p.Val71ThrfsX49. This variant is predicted to cause loss of normal protein function either through protein truncation or nonsense-mediated mRNA decay. In summary, we consider this variant to be likely pathogenic.

NM_001122659.3(EDNRB):c.211_223del (p.Val71fs)

Gene: EDNRB (endothelin receptor type B; minus strand). Cytogenetic location: 13q22.3.
Variant type: Deletion.
Coding change: c.211_223del on transcript NM_001122659.3 (MANE Select); coding-DNA positions 211 to 223, 13 bases deleted (GTGCCTAAAGGAG).
Protein change: p.Val71fs; shifts the reading frame from valine 71.
Molecular consequence: frameshift variant.
Genome position (GRCh38, 1-based): chr13:77,918,351-77,918,363, CTCCTTTAGGCAC deleted on the plus strand (GTGCCTAAAGGAG on the coding strand, the reverse complement: EDNRB is on the minus strand); deleting any 13 consecutive bases within chr13:77,918,351-77,918,367 gives the same sequence; the c. name uses the placement nearest the transcript's 3' end. VCF-style (leftmost placement, unchanged base first): chr13-77918350-TCTCCTTTAGGCAC-T. GRCh37 (hg19) VCF-style: chr13-78492485-TCTCCTTTAGGCAC-T.
Other names: c.211_223del, p.Val71fs (NM_000115.5, NM_003991.4); c.477_489delGGAGGTGCCTAAA, p.Val161Thrfs (NM_001201397.2); short protein forms V71fs, V161fs.
Identifiers: ClinVar variation 524124 (VCV000524124.2), dbSNP rs1555292048, ClinGen allele CA658798159.